The following is an entry in ClinVar:

NM_006180.6(NTRK2):c.1947C>T (p.Gly649=)

Gene: NTRK2 (neurotrophic receptor tyrosine kinase 2; plus strand). Cytogenetic location: 9q21.33.
Variant type: single nucleotide variant.
Coding change: c.1947C>T on transcript NM_006180.6 (MANE Select); coding-DNA position 1947, C replaced by T.
Protein change: p.Gly649=; no amino-acid change (glycine 649 retained).
Molecular consequence: synonymous variant.
Genome position (GRCh38, 1-based): chr9:84,955,292, C>T. VCF-style: chr9-84955292-C-T. GRCh37 (hg19) VCF-style: chr9-87570207-C-T.
Other names: c.1947C>T (NM_006180.4); c.1899C>T, p.Gly633= (NM_001018064.3, NM_001369532.1, NM_001369533.1); c.1863C>T, p.Gly621= (NM_001369534.1); c.1431C>T, p.Gly477= (NM_001369535.1); c.1479C>T, p.Gly493= (NM_001369536.1).
Identifiers: ClinVar variation 1546489 (VCV001546489.10), dbSNP rs766885554, ClinGen allele CA195815110.

ClinVar aggregate classification (germline): Likely benign. Review status: criteria provided, single submitter (1 of 4 stars). 2 submissions from 2 submitters: Likely benign (1). 1 of the submissions does not count toward it. Last evaluated 2024-11-04.

Conditions:
NTRK2-related disorder. Also called: NTRK2-related condition.

gnomAD v4.1: 93 of 1,601,686 alleles (0.0058%); highest among the groups gnomAD compares: Non-Finnish European, 0.0079%; no homozygotes.

Submissions (2):

Labcorp Genetics (formerly Invitae), Labcorp
Classification: Likely benign. Last evaluated: 2024-11-04. Review status: criteria provided, single submitter. Criteria: Invitae Variant Classification Sherloc (09022015). Collection method: clinical testing. Allele origin: germline.

PreventionGenetics, part of Exact Sciences
Classification: Likely benign for NTRK2-related condition. Last evaluated: 2020-12-31. Review status: no assertion criteria provided. Collection method: clinical testing. Allele origin: germline. Not counted in ClinVar's aggregate classification.
Comment: This variant is classified as likely benign based on ACMG/AMP sequence variant interpretation guidelines (Richards et al. 2015 PMID: 25741868, with internal and published modifications).